The following is an entry in ClinVar:

ClinVar aggregate classification (germline): Conflicting classifications of pathogenicity. Review status: criteria provided, conflicting classifications (1 of 4 stars). 3 submissions from 2 submitters: Uncertain significance (2); Likely benign (1). Last evaluated 2022-07-01.

Conditions:
Waardenburg syndrome type 2A (WS2A). Also called: WAARDENBURG SYNDROME WITHOUT DYSTOPIA CANTHORUM. Identifiers: Orphanet 3440, MedGen C1860339, MONDO:0008671, OMIM 193510.
Tietz syndrome (TADS). Also called: HYPOPIGMENTATION/DEAFNESS OF TIETZ; ALBINISM-DEAFNESS OF TIETZ; TIETZ ALBINISM-DEAFNESS SYNDROME. Identifiers: Orphanet 42665, MedGen C0391816, MONDO:0007077, OMIM 103500.

Allele frequency attached by ClinVar (database versions not stated): TOPMed 0.00050; gnomAD 0.00052 and 0.00055; gnomAD exomes 0.00055; 1000 Genomes Project 30x 0.00031.
gnomAD v4.1: 119 of 232,808 alleles (0.051%); highest among the groups gnomAD compares: Non-Finnish European, 0.081%; no homozygotes.

Submissions (3):

CeGaT Center for Human Genetics Tuebingen
Classification: Likely benign. Last evaluated: 2022-07-01. Review status: criteria provided, single submitter. Criteria: CeGaT Center For Human Genetics Tuebingen Variant Classification Criteria Version 2. Collection method: clinical testing. Allele origin: germline. Affected: yes. Observed: 1 variant allele.
Comment: MITF: BP4

Illumina Laboratory Services, Illumina
Classification: Uncertain significance for Tietz syndrome. Last evaluated: 2018-01-12. Review status: criteria provided, single submitter. Criteria: ICSL Variant Classification Criteria 13 December 2019. Collection method: clinical testing. Allele origin: germline.

Illumina Laboratory Services, Illumina
Classification: Uncertain significance for Waardenburg syndrome type 2A. Last evaluated: 2018-01-12. Review status: criteria provided, single submitter. Criteria: ICSL Variant Classification Criteria 13 December 2019. Collection method: clinical testing. Allele origin: germline.

NM_001354604.2(MITF):c.*1570C>T

Gene: MITF (melanocyte inducing transcription factor; plus strand). Cytogenetic location: 3p13.
Variant type: single nucleotide variant.
Coding change: c.*1570C>T on transcript NM_001354604.2 (MANE Select); 1570 bases downstream of the stop codon, C replaced by T.
Molecular consequence: 3 prime UTR variant.
Genome position (GRCh38, 1-based): chr3:69,966,818, C>T. VCF-style: chr3-69966818-C-T. GRCh37 (hg19) VCF-style: chr3-70015969-C-T.
Other names: c.*1570C>T (NM_000248.4, NM_001184967.2, NM_001354605.2 and 8 more transcripts).
Identifiers: ClinVar variation 346525 (VCV000346525.35), dbSNP rs528276006, ClinGen allele CA10619460.
Genomic context (GRCh38, chr3:69,966,818, plus strand): 5'-TGTTGAATGGAATTTCTCAGTAGCAGCCTACAACTGAATAGCAAGTGGCATAAAGCATAT[C>T]CATTCAGAATGAAGTGCCTTAAATATAGCAGTAGTCTTTTTTGGACTAGCACTGACTGAA-3'